The following is an entry in ClinVar:

NM_015102.5(NPHP4):c.3816+5G>A

Gene: NPHP4 (nephrocystin 4; minus strand). Cytogenetic location: 1p36.31.
Variant type: single nucleotide variant.
Coding change: c.3816+5G>A on transcript NM_015102.5 (MANE Select); 5 bases into the intron after coding-DNA position 3816, G replaced by A.
Molecular consequence: intron variant.
Genome position (GRCh38, 1-based): chr1:5,865,097, C>T on the plus strand (G>A on the coding strand, the complement: NPHP4 is on the minus strand). VCF-style: chr1-5865097-C-T. GRCh37 (hg19) VCF-style: chr1-5925157-C-T.
Other names: c.2280+5G>A (NM_001291594.2); c.2277+5G>A (NM_001291593.2); c.3816+5G>A (NM_015102.4).
Identifiers: ClinVar variation 1494358 (VCV001494358.6), dbSNP rs971158630, ClinGen allele CA17125373.

ClinVar aggregate classification (germline): Conflicting classifications of pathogenicity. Review status: criteria provided, conflicting classifications (1 of 4 stars). 3 submissions from 3 submitters: Uncertain significance (2); Likely benign (1). Last evaluated 2025-04-09.

Conditions:
Nephronophthisis. Also called: Juvenile Nephronophthisis. Identifiers: Orphanet 655, MedGen C0687120, MONDO:0019005, HP:0000090.
NPHP4-related disorder. Also called: NPHP4-related disorders; NPHP4-related condition. Identifiers: MedGen CN239384.
Nephronophthisis 4 (NPHP4). Also called: NEPHRONOPHTHISIS 4, JUVENILE. Identifiers: Orphanet 655, MedGen C1847013, MONDO:0011752, OMIM 606966.
Senior-Loken syndrome 4 (SLSN4). Identifiers: Orphanet 3156, MedGen C1846979, MONDO:0011756, OMIM 606996.

Allele frequency attached by ClinVar (database versions not stated): gnomAD exomes 0.00001; gnomAD 0.00002; TOPMed 0.00002.
gnomAD v4.1: 33 of 1,613,064 alleles (0.002%); highest among the groups gnomAD compares: African/African-American, 0.0027%; no homozygotes.

Submissions (3):

PreventionGenetics, part of Exact Sciences
Classification: Likely benign for NPHP4-related condition. Last evaluated: 2025-04-09. Review status: criteria provided, single submitter. Criteria: ACMG Guidelines, 2015. Collection method: clinical testing. Allele origin: germline.
Comment: This variant is classified as likely benign based on ACMG/AMP sequence variant interpretation guidelines (Richards et al. 2015 PMID: 25741868, with internal and published modifications).

Fulgent Genetics
Classification: Uncertain significance for Nephronophthisis 4; Senior-Loken syndrome 4. Last evaluated: 2024-05-13. Review status: criteria provided, single submitter. Criteria: ACMG Guidelines, 2015. Collection method: clinical testing. Allele origin: germline.

Labcorp Genetics (formerly Invitae), Labcorp
Classification: Uncertain significance for Nephronophthisis. Last evaluated: 2022-07-20. Review status: criteria provided, single submitter. Criteria: Invitae Variant Classification Sherloc (09022015). Collection method: clinical testing. Allele origin: germline.
Comment: This sequence change falls in intron 27 of the NPHP4 gene. It does not directly change the encoded amino acid sequence of the NPHP4 protein. It affects a nucleotide within the consensus splice site. This variant is present in population databases (no rsID available, gnomAD 0.004%). This variant has not been reported in the literature in individuals affected with NPHP4-related conditions. ClinVar contains an entry for this variant (Variation ID: 1494358). Variants that disrupt the consensus splice site are a relatively common cause of aberrant splicing (PMID: 17576681, 9536098). Algorithms developed to predict the effect of sequence changes on RNA splicing suggest that this variant is not likely to affect RNA splicing. In summary, the available evidence is currently insufficient to determine the role of this variant in disease. Therefore, it has been classified as a Variant of Uncertain Significance.

Literature cited by the submitters: PubMed 17576681 (cited by Labcorp Genetics (formerly Invitae), Labcorp); PubMed 9536098 (cited by Labcorp Genetics (formerly Invitae), Labcorp).